The following is an entry in ClinVar:

ClinVar aggregate classification (germline): Conflicting classifications of pathogenicity. Review status: criteria provided, conflicting classifications (1 of 4 stars). 2 submissions from 2 submitters: Uncertain significance (1); Likely benign (1). Last evaluated 2026-06-12.

Conditions:
Renal cell carcinoma. Identifiers: Orphanet 217071, MedGen C0007134, MeSH D002292, MONDO:0005086, HP:0005584.
Hereditary cancer-predisposing syndrome. Also called: Neoplastic Syndromes, Hereditary; Tumor predisposition; Hereditary Cancer Syndrome; Hereditary neoplastic syndrome. Identifiers: Orphanet 140162, MedGen C0027672, MeSH D009386, MONDO:0015356.

Submissions (2):

Ambry Genetics
Classification: Likely benign for Hereditary cancer-predisposing syndrome. Last evaluated: 2026-06-12. Review status: criteria provided, single submitter. Criteria: Ambry Variant Classification Scheme 2023. Collection method: clinical testing. Allele origin: germline.

Labcorp Genetics (formerly Invitae), Labcorp
Classification: Uncertain significance for Renal cell carcinoma. Last evaluated: 2026-01-18. Review status: criteria provided, single submitter. Criteria: Invitae Variant Classification Sherloc (09022015). Collection method: clinical testing. Allele origin: germline.
Comment: This sequence change replaces isoleucine, which is neutral and non-polar, with methionine, which is neutral and non-polar, at codon 279 of the MET protein (p.Ile279Met). This variant is not present in population databases (gnomAD no frequency). This variant has not been reported in the literature in individuals affected with MET-related conditions. ClinVar contains an entry for this variant (Variation ID: 1763142). Invitae Evidence Modeling of protein sequence and biophysical properties (such as structural, functional, and spatial information, amino acid conservation, physicochemical variation, residue mobility, and thermodynamic stability) indicates that this missense variant is expected to disrupt MET protein function with a positive predictive value of 80%. In summary, the available evidence is currently insufficient to determine the role of this variant in disease. Therefore, it has been classified as a Variant of Uncertain Significance.

NM_000245.4(MET):c.837C>G (p.Ile279Met)

Gene: MET (MET proto-oncogene, receptor tyrosine kinase; plus strand). Cytogenetic location: 7q31.2.
Variant type: single nucleotide variant.
Coding change: c.837C>G on transcript NM_000245.4 (MANE Select); coding-DNA position 837, C replaced by G.
Protein change: p.Ile279Met; replaces isoleucine 279 with methionine.
Molecular consequence: missense variant. On other transcripts: intron variant (1).
Genome position (GRCh38, 1-based): chr7:116,699,921, C>G. VCF-style: chr7-116699921-C-G. GRCh37 (hg19) VCF-style: chr7-116339975-C-G.
Other names: c.837C>G, p.Ile279Met (NM_001127500.3, NM_001324401.3); c.-91+27344C>G (NM_001324402.2); short protein forms I279M.
Identifiers: ClinVar variation 1763142 (VCV001763142.8), dbSNP rs746494770, ClinGen allele CA368969959.